The following is an entry in ClinVar:

ClinVar aggregate classification (germline): Uncertain significance (1 of 4 stars; one submission).

Submission:

Labcorp Genetics (formerly Invitae), Labcorp
Classification: Uncertain significance. Last evaluated: 2024-07-16. Review status: criteria provided, single submitter. Criteria: Invitae Variant Classification Sherloc (09022015). Collection method: clinical testing. Allele origin: germline.
Comment: This sequence change replaces aspartic acid, which is acidic and polar, with asparagine, which is neutral and polar, at codon 205 of the PPM1D protein (p.Asp205Asn). This variant is not present in population databases (gnomAD no frequency). This variant has not been reported in the literature in individuals affected with PPM1D-related conditions. An algorithm developed to predict the effect of missense changes on protein structure and function (PolyPhen-2) suggests that this variant is likely to be tolerated. In summary, the available evidence is currently insufficient to determine the role of this variant in disease. Therefore, it has been classified as a Variant of Uncertain Significance.

NM_003620.4(PPM1D):c.613G>A (p.Asp205Asn)

Genes: PPM1D (protein phosphatase, Mg2+/Mn2+ dependent 1D; plus strand), LOC129390907 (MPRA-validated peak2930 silencer; plus strand). Cytogenetic location: 17q23.2.
Variant type: single nucleotide variant.
Coding change: c.613G>A on transcript NM_003620.4 (MANE Select); coding-DNA position 613, G replaced by A.
Protein change: p.Asp205Asn; replaces aspartic acid 205 with asparagine.
Molecular consequence: missense variant.
Genome position (GRCh38, 1-based): chr17:60,623,661, G>A. VCF-style: chr17-60623661-G-A. GRCh37 (hg19) VCF-style: chr17-58701022-G-A.
Other names: short protein forms D205N.
Identifiers: ClinVar variation 3706232 (VCV003706232.2).